The following is an entry in ClinVar:

NM_001129.5(AEBP1):c.1103G>A (p.Arg368Gln)

Gene: AEBP1 (AE binding protein 1; plus strand). Cytogenetic location: 7p13.
Variant type: single nucleotide variant.
Coding change: c.1103G>A on transcript NM_001129.5 (MANE Select); coding-DNA position 1103, G replaced by A.
Protein change: p.Arg368Gln; replaces arginine 368 with glutamine.
Molecular consequence: missense variant.
Genome position (GRCh38, 1-based): chr7:44,109,294, G>A. VCF-style: chr7-44109294-G-A. GRCh37 (hg19) VCF-style: chr7-44148893-G-A.
Other names: short protein forms R368Q.
Identifiers: ClinVar variation 1412170 (VCV001412170.6), dbSNP rs75175945, ClinGen allele CA4237754.
Genomic context (GRCh38, chr7:44,109,294, plus strand): 5'-CTCCTGATTGCCTCCCGGGCCCTTGGTGCCATGTCCTCCCTTCATTGTCCCTAGAGCCCC[G>A]AAAGGGCGAGGAGTTGGAGGAGGAGTGGACGCCTACGGAGAAAGTCAGTAAGTGGGGGGC-3'
Protein context (NP_001120.3, residues 358-378): VEKGKDHKEP[Arg368Gln]KGEELEEEWT

ClinVar aggregate classification (germline): Conflicting classifications of pathogenicity. Review status: criteria provided, conflicting classifications (1 of 4 stars). 2 submissions from 2 submitters: Uncertain significance (1); Likely benign (1). Last evaluated 2026-01-26.

Allele frequency attached by ClinVar (database versions not stated): gnomAD 0.00009 and 0.00011; gnomAD exomes 0.00012 and 0.00020; TOPMed 0.00015; ESP Exome Variant Server 0.00023; ExAC 0.00027; 1000 Genomes Project 30x 0.00062; 1000 Genomes Project 0.00080.
gnomAD v4.1: 196 of 1,578,096 alleles (0.012%); highest among the groups gnomAD compares: East Asian, 0.17%; no homozygotes.

Submissions (2):

Women's Health and Genetics/Laboratory Corporation of America, LabCorp
Classification: Likely benign. Last evaluated: 2026-01-26. Review status: criteria provided, single submitter. Criteria: LabCorp Variant Classification Summary - May 2015. Collection method: clinical testing. Allele origin: germline.
Comment: Variant summary: AEBP1 c.1103G>A (p.Arg368Gln) results in a conservative amino acid change in the encoded protein sequence. Algorithms developed to predict the effect of missense changes on protein structure and function all suggest that this variant is likely to be tolerated. The variant allele was found at a frequency of 0.00012 in 1571286 control chromosomes, predominantly at a frequency of 0.0017 within the East Asian subpopulation in the gnomAD database. In addition, the variant was reported in some East Asian subpopulations with an even higher allele frequency, e.g. in the Japanese, with an allele frequency of 0.0034 (i.e. 394 / 115360 alleles) in the jMorp database (PMID: 33179747). The observed variant frequency within East Asian control individuals exceeds the estimated maximal expected allele frequency for disease-causing variants in AEBP1. To our knowledge, no occurrence of c.1103G>A in individuals affected with AEBP1-related conditions and no experimental evidence demonstrating its impact on protein function have been reported. ClinVar contains an entry for this variant (Variation ID: 1412170). Based on the evidence outlined above, the variant was classified as likely benign.

Labcorp Genetics (formerly Invitae), Labcorp
Classification: Uncertain significance. Last evaluated: 2022-09-07. Review status: criteria provided, single submitter. Criteria: Invitae Variant Classification Sherloc (09022015). Collection method: clinical testing. Allele origin: germline.
Comment: This sequence change replaces arginine, which is basic and polar, with glutamine, which is neutral and polar, at codon 368 of the AEBP1 protein (p.Arg368Gln). This variant is present in population databases (rs75175945, gnomAD 0.07%). This variant has not been reported in the literature in individuals affected with AEBP1-related conditions. ClinVar contains an entry for this variant (Variation ID: 1412170). Algorithms developed to predict the effect of missense changes on protein structure and function output the following: SIFT: "Deleterious"; PolyPhen-2: "Benign"; Align-GVGD: "Class C0". The glutamine amino acid residue is found in multiple mammalian species, which suggests that this missense change does not adversely affect protein function. In summary, the available evidence is currently insufficient to determine the role of this variant in disease. Therefore, it has been classified as a Variant of Uncertain Significance.